The following is an entry in ClinVar:

ClinVar aggregate classification (germline): Uncertain significance (1 of 4 stars; one submission).

Conditions:
Primary ciliary dyskinesia. Also called: Ciliary dyskinesia. Identifiers: Orphanet 244, MedGen C0008780, MONDO:0016575, HP:0012265.

Submission:

Ambry Genetics
Classification: Uncertain significance for Primary ciliary dyskinesia. Last evaluated: 2021-07-01. Review status: criteria provided, single submitter. Criteria: Ambry Variant Classification Scheme 2023. Collection method: clinical testing. Allele origin: germline.
Comment: The p.P366A variant (also known as c.1096C>G), located in coding exon 8 of the DNAI2 gene, results from a C to G substitution at nucleotide position 1096. The proline at codon 366 is replaced by alanine, an amino acid with highly similar properties. This amino acid position is conserved. In addition, this alteration is predicted to be tolerated by in silico analysis. Since supporting evidence is limited at this time, the clinical significance of this alteration remains unclear.

NM_023036.6(DNAI2):c.1096C>G (p.Pro366Ala)

Gene: DNAI2 (dynein axonemal intermediate chain 2; plus strand). Cytogenetic location: 17q25.1.
Variant type: single nucleotide variant.
Coding change: c.1096C>G on transcript NM_023036.6 (MANE Select); coding-DNA position 1096, C replaced by G.
Protein change: p.Pro366Ala; replaces proline 366 with alanine.
Molecular consequence: missense variant. On other transcripts: non-coding transcript variant (1).
Genome position (GRCh38, 1-based): chr17:74,305,327, C>G. VCF-style: chr17-74305327-C-G. GRCh37 (hg19) VCF-style: chr17-72301466-C-G.
Other names: c.1096C>G, p.Pro366Ala (NM_001353167.2, NM_001172810.3); short protein forms P366A.
Identifiers: ClinVar variation 1790678 (VCV001790678.2), dbSNP rs2509752438, ClinGen allele CA400910098.